The following is an entry in ClinVar:

ClinVar aggregate classification (germline): Pathogenic (1 of 4 stars; one submission).

Conditions:
Inborn genetic diseases. Identifiers: MedGen C0950123, MeSH D030342.

Submission:

Ambry Genetics
Classification: Pathogenic for Inborn genetic diseases. Last evaluated: 2026-04-21. Review status: criteria provided, single submitter. Criteria: Ambry Variant Classification Scheme 2023. Collection method: clinical testing. Allele origin: germline.
Comment: The c.148dupC (p.R50Pfs*16) alteration, located in exon 1 (coding exon 1) of the INSL3 gene, consists of a duplication of C at position 148, causing a translational frameshift with a predicted alternate stop codon after 16 amino acids. This variant is not expected to trigger nonsense-mediated mRNA decay, but impacts 63% of the protein. Premature stop codons are typically deleterious in nature and a significant portion of the protein is affected (Ambry internal data). This variant was not reported in population-based cohorts in the Genome Aggregation Database (gnomAD). This variant has been identified in the homozygous state in an individual with features consistent with INSL3-related cryptorchidism with azoospermia (Wei, 2026). Another variant (c.143dupG) resulting in the same protein change has been identified in the homozygous state in an individual with features consistent with INSL3-related cryptorchidism with azoospermia (Dicke, 2023). Based on the available evidence, this alteration is classified as pathogenic.

Literature cited by the submitters: PubMed 11095425; PubMed 37208861; PubMed 41369823.

NM_005543.4(INSL3):c.148dup (p.Arg50fs)

Gene: INSL3 (insulin like 3; minus strand). Cytogenetic location: 19p13.11.
Variant type: Duplication.
Coding change: c.148dup on transcript NM_005543.4 (MANE Select); coding-DNA position 148, one base duplicated (C; older notation c.148dupC).
Protein change: p.Arg50fs; shifts the reading frame from arginine 50.
Molecular consequence: frameshift variant.
Genome position (GRCh38, 1-based): chr19:17,821,359, G duplicated on the plus strand (C on the coding strand, the reverse complement: INSL3 is on the minus strand); the first of 5 consecutive G bases (chr19:17,821,359-17,821,363); duplicating any one gives the same sequence. VCF-style (leftmost placement, unchanged base first): chr19-17821358-C-CG. GRCh37 (hg19) VCF-style: chr19-17932167-C-CG.
Other names: c.148dup, p.Arg50fs (NM_001265587.2); short protein forms R50fs.
Identifiers: ClinVar variation 521489 (VCV000521489.5), dbSNP rs1187807999, ClinGen allele CA658799174.